The following is an entry in ClinVar:

NM_001330078.2(NRXN1):c.2222A>G (p.Asp741Gly)

Gene: NRXN1 (neurexin 1; minus strand). Cytogenetic location: 2p16.3.
Variant type: single nucleotide variant.
Coding change: c.2222A>G on transcript NM_001330078.2 (MANE Select); coding-DNA position 2222, A replaced by G.
Protein change: p.Asp741Gly; replaces aspartic acid 741 with glycine.
Molecular consequence: missense variant.
Genome position (GRCh38, 1-based): chr2:50,531,352, T>C on the plus strand (A>G on the coding strand, the complement: NRXN1 is on the minus strand). VCF-style: chr2-50531352-T-C. GRCh37 (hg19) VCF-style: chr2-50758490-T-C.
Other names: c.2342A>G, p.Asp781Gly (NM_001135659.3); c.2198A>G, p.Asp733Gly (NM_001330077.2, NM_001330082.2, NM_001330095.2); c.2183A>G, p.Asp728Gly (NM_001330083.2, NM_001330084.2); c.2222A>G, p.Asp741Gly (NM_001330085.2, NM_001330086.2, NM_004801.6); c.2138A>G, p.Asp713Gly (NM_001330087.2, NM_001330096.2); c.2168A>G, p.Asp723Gly (NM_001330088.2); c.2219A>G, p.Asp740Gly (NM_001330093.2); c.2210A>G, p.Asp737Gly (NM_001330094.2); short protein forms D713G, D723G, D728G, D733G, D737G, D740G, D741G, D781G.
Identifiers: ClinVar variation 4861194 (VCV004861194.1).

ClinVar aggregate classification (germline): Uncertain significance (1 of 4 stars; one submission).

Conditions:
Inborn genetic diseases. Identifiers: MedGen C0950123, MeSH D030342.

gnomAD v4.1: 3 of 1,613,150 alleles (0.00019%); highest among the groups gnomAD compares: African/African-American, 0.0013%; no homozygotes.

Submission:

Ambry Genetics
Classification: Uncertain significance for Inborn genetic diseases. Last evaluated: 2026-04-28. Review status: criteria provided, single submitter. Criteria: Ambry Variant Classification Scheme 2023. Collection method: clinical testing. Allele origin: germline.
Comment: The c.2342A>G (p.D781G) alteration is located in exon 12 (coding exon 11) of the NRXN1 gene. This alteration results from a A to G substitution at nucleotide position 2342, causing the aspartic acid (D) at amino acid position 781 to be replaced by a glycine (G). Based on data from gnomAD, the G allele has an overall frequency of 0.003% (1/31388) total alleles studied. The highest observed frequency was 0.012% (1/8710) of African alleles. Based on insufficient or conflicting evidence, the clinical significance of this alteration remains unclear.